The following is an entry in ClinVar:

ClinVar aggregate classification (germline): Likely pathogenic (1 of 4 stars; one submission).

Submission:

Labcorp Genetics (formerly Invitae), Labcorp
Classification: Likely pathogenic. Last evaluated: 2022-10-19. Review status: criteria provided, single submitter. Criteria: Invitae Variant Classification Sherloc (09022015). Collection method: clinical testing. Allele origin: germline.
Comment: This sequence change affects the initiator methionine of the PTHLH mRNA. There are no downstream in-frame methionine residues; therefore, it is expected to result in an absent or disrupted protein product. Loss-of-function variants in PTHLH are known to be pathogenic (PMID: 20170896, 26640227, 26763883). This variant is not present in population databases (gnomAD no frequency). This variant has not been reported in the literature in individuals affected with PTHLH-related conditions. In summary, the currently available evidence indicates that the variant is pathogenic, but additional data are needed to prove that conclusively. Therefore, this variant has been classified as Likely Pathogenic.

Literature cited by the submitters: PubMed 20170896; PubMed 26640227; PubMed 26763883.

NM_198965.2(PTHLH):c.1A>T (p.Met1Leu)

Gene: PTHLH (parathyroid hormone like hormone; minus strand). Cytogenetic location: 12p11.22.
Variant type: single nucleotide variant.
Coding change: c.1A>T on transcript NM_198965.2 (MANE Select); coding-DNA position 1, A replaced by T.
Protein change: p.Met1Leu; changes the start codon (methionine 1).
Molecular consequence: missense variant, initiator codon variant.
Genome position (GRCh38, 1-based): chr12:27,969,494, T>A on the plus strand (A>T on the coding strand, the complement: PTHLH is on the minus strand). VCF-style: chr12-27969494-T-A. GRCh37 (hg19) VCF-style: chr12-28122427-T-A.
Other names: c.1A>T, p.Met1Leu (NM_002820.3, NM_198964.2, NM_198966.2); short protein forms M1L.
Identifiers: ClinVar variation 2036140 (VCV002036140.5), dbSNP rs2539971709, ClinGen allele CA384339877.
Genomic context (GRCh38, chr12:27,969,494, plus strand): 5'-GCACCGCGTAGCTCAGCAGGAACACCGCGACGCTCCACTGCTGAACCAGTCTCCGCTGCA[T>A]CGTCTCCGCTCGCGCTCGGGACCTGCAACAGAAGGGAATGGGACCCGAGTGTCAGTCTGG-3'
Protein context (NP_945316.1, residues 1-11): [Met1Leu]QRRLVQQWSV